The following is an entry in ClinVar:

NM_014000.3(VCL):c.2611C>T (p.Pro871Ser)

Gene: VCL (vinculin; plus strand). Cytogenetic location: 10q22.2.
Variant type: single nucleotide variant.
Coding change: c.2611C>T on transcript NM_014000.3 (MANE Select); coding-DNA position 2611, C replaced by T.
Protein change: p.Pro871Ser; replaces proline 871 with serine.
Molecular consequence: missense variant.
Genome position (GRCh38, 1-based): chr10:74,109,022, C>T. VCF-style: chr10-74109022-C-T. GRCh37 (hg19) VCF-style: chr10-75868780-C-T.
Other names: c.2611C>T, p.Pro871Ser (NM_003373.4); short protein forms P871S.
Identifiers: ClinVar variation 4842807 (VCV004842807.1).
Genomic context (GRCh38, chr10:74,109,022, plus strand): 5'-CTTTTTTAGCTAACAGATGAGCTTGCTCCTCCCAAACCACCTCTGCCTGAAGGTGAGGTC[C>T]CTCCACCTAGGCCTCCACCACCAGAGGAAAAGGATGAAGAGTTCCCTGAGCAGAAGGCCG-3'
Protein context (NP_054706.1, residues 861-881): PKPPLPEGEV[Pro871Ser]PPRPPPPEEK

ClinVar aggregate classification (germline): Uncertain significance (1 of 4 stars; one submission).

Conditions:
Cardiovascular phenotype. Identifiers: MedGen CN230736.

Submission:

Ambry Genetics
Classification: Uncertain significance for Cardiovascular phenotype. Last evaluated: 2025-12-21. Review status: criteria provided, single submitter. Criteria: Ambry Variant Classification Scheme 2023. Collection method: clinical testing. Allele origin: germline.
Comment: The p.P871S variant (also known as c.2611C>T), located in coding exon 18 of the VCL gene, results from a C to T substitution at nucleotide position 2611. The proline at codon 871 is replaced by serine, an amino acid with similar properties. This amino acid position is conserved. In addition, this alteration is predicted to be tolerated by in silico analysis. Based on the available evidence, the clinical significance of this variant remains unclear.